The following is an entry in ClinVar:

ClinVar aggregate classification (germline): Conflicting classifications of pathogenicity. Review status: criteria provided, conflicting classifications (1 of 4 stars). 2 submissions from 2 submitters: Likely pathogenic (1); Uncertain significance (1). Last evaluated 2025-07-06.

Conditions:
Intellectual developmental disorder with gastrointestinal difficulties and high pain threshold (JDVS). Also called: JANSEN-DE VRIES SYNDROME. Identifiers: Orphanet 653767, MedGen C4479517, MONDO:0044318, OMIM 617450.

Submissions (2):

Variantyx, Inc.
Classification: Likely pathogenic for Intellectual developmental disorder with gastrointestinal difficulties and high pain threshold. Last evaluated: 2025-07-06. Review status: criteria provided, single submitter. Criteria: Variantyx Assertion Criteria 2022. Collection method: clinical testing. Allele origin: germline. Inheritance: Autosomal dominant inheritance. Affected: yes.
Comment: This is a frameshift variant in the PPM1D gene (OMIM: 605100). Pathogenic variants in this gene have been associated with autosomal dominant Jansen-de Vries syndrome. This variant introduces a premature termination codon in exon 5 out of 6. Functional studies show that a truncated mRNA is formed with a normal expression level compared to controls, suggesting that the disease-causing variants escape nonsense-mediated decay and do not represent loss-of-function variants (PMID:28343630) (PM4). This variant is located in the penultimate exon and the majority of disease-causing variants are located in the last or penultimate exon and are expected to escape nonsense-mediated mRNA decay (PMID: 28343630) (PM1). This variant has been reported in at least one affected individual (Variantyx) (PS4), while it is absent from control populations (PM2). Based on the current evidence, this variant is classified as likely pathogenic for autosomal dominant Jansen-de Vries syndrome.

Labcorp Genetics (formerly Invitae), Labcorp
Classification: Uncertain significance. Last evaluated: 2025-03-13. Review status: criteria provided, single submitter. Criteria: Invitae Variant Classification Sherloc (09022015). Collection method: clinical testing. Allele origin: germline.
Comment: This sequence change creates a premature translational stop signal (p.Asp397Glyfs*6) in the PPM1D gene. It is expected to result in an absent or disrupted protein product. However, the current clinical and genetic evidence is not sufficient to establish whether loss-of-function variants in PPM1D cause disease. This variant is not present in population databases (gnomAD no frequency). This variant has not been reported in the literature in individuals affected with PPM1D-related conditions. In summary, the available evidence is currently insufficient to determine the role of this variant in disease. Therefore, it has been classified as a Variant of Uncertain Significance.

Literature cited by the submitters: PubMed 28343630 (cited by Variantyx, Inc.).

NM_003620.4(PPM1D):c.1189dup (p.Asp397fs)

Gene: PPM1D (protein phosphatase, Mg2+/Mn2+ dependent 1D; plus strand). Cytogenetic location: 17q23.2.
Variant type: Duplication.
Coding change: c.1189dup on transcript NM_003620.4 (MANE Select); coding-DNA position 1189, one base duplicated (G; older notation c.1189dupG).
Protein change: p.Asp397fs; shifts the reading frame from aspartic acid 397.
Molecular consequence: frameshift variant.
Genome position (GRCh38, 1-based): chr17:60,656,770, G duplicated. VCF-style (leftmost placement, unchanged base first): chr17-60656769-T-TG. GRCh37 (hg19) VCF-style: chr17-58734130-T-TG.
Other names: short protein forms D397fs.
Identifiers: ClinVar variation 4715079 (VCV004715079.2).